The following is an entry in ClinVar:

ClinVar aggregate classification (germline): Pathogenic/Likely pathogenic. Review status: criteria provided, multiple submitters, no conflicts (2 of 4 stars). 35 submissions from 32 submitters: Pathogenic (29); Likely pathogenic (2). 4 of the submissions do not count toward it. Last evaluated 2026-08-04.

Conditions:
NF1-related disorder. Also called: NF1-related condition. Identifiers: MedGen CN379171.
Hereditary cancer-predisposing syndrome. Also called: Neoplastic Syndromes, Hereditary; Tumor predisposition; Hereditary Cancer Syndrome; Hereditary neoplastic syndrome. Identifiers: Orphanet 140162, MedGen C0027672, MeSH D009386, MONDO:0015356.
Cardiovascular phenotype. Identifiers: MedGen CN230736.
Gastric cancer. Also called: Stomach cancer; Malignant tumor of stomach. Identifiers: MedGen C0024623, MeSH D013274, MONDO:0001056, OMIM 613659, HP:0012126.
Neurofibromatosis-Noonan syndrome (NFNS). Also called: NEUROFIBROMATOSIS WITH NOONAN PHENOTYPE. Identifiers: Orphanet 638, MedGen C2931482, MONDO:0011035, OMIM 601321. Disease mechanism: loss of function.
Neurofibromatosis, type 1 (NF1). Also called: Peripheral type neurofibromatosis; NEUROFIBROMATOSIS, TYPE I, SOMATIC; VON RECKLINGHAUSEN DISEASE; Neurofibromatosis, type I. Identifiers: Orphanet 636, MedGen C0027831, MONDO:0018975, OMIM 162200. Disease mechanism: loss of function.
Café-au-lait macules with pulmonary stenosis (WTSN). Also called: PULMONIC STENOSIS WITH CAFE-AU-LAIT SPOTS. Identifiers: MedGen C0553586, MONDO:0008672, OMIM 193520.
Juvenile myelomonocytic leukemia (JMML). Also called: LEUKEMIA, JUVENILE MYELOMONOCYTIC, SOMATIC. Identifiers: Orphanet 86834, MedGen C0349639, MONDO:0011908, OMIM 607785, HP:0012209.
Neurofibromatosis, familial spinal (FSNF). Identifiers: Orphanet 636, MedGen C1834235, MONDO:0008078, OMIM 162210. Disease mechanism: loss of function.

Allele frequency attached by ClinVar (database versions not stated): gnomAD exomes below 0.00001; ExAC 0.00001.

Submissions 1 to 7 of 35:

Institute of Human Genetics, University of Leipzig Medical Center
Classification: Pathogenic for Neurofibromatosis, type 1. Last evaluated: 2026-08-04. Review status: criteria provided, single submitter. Criteria: ACMG Guidelines, 2015. Collection method: clinical testing. Allele origin: unknown. Inheritance: Autosomal dominant inheritance. Affected: yes.
Comment: Criteria applied: PS4,PP1_STR,PS3_MOD,PM4_SUP

Ambry Genetics
Classification: Pathogenic for Cardiovascular phenotype; Hereditary cancer-predisposing syndrome. Last evaluated: 2026-06-24. Review status: criteria provided, single submitter. Criteria: Ambry Variant Classification Scheme 2023. Collection method: clinical testing. Allele origin: germline.
Comment: The c.2970_2972delAAT (p.M992del) alteration is located in coding exon 22 of the NF1 gene. This alteration consists of an in-frame deletion of 3 nucleotides between nucleotide positions c.2970 and c.2972, resulting in the deletion of 1 residue. Based on data from gnomAD, this allele has an overall frequency of <0.001% (1/250346) total alleles studied. The highest observed frequency was 0.001% (1/113108) of European (non-Finnish) alleles. This variant has been reported in multiple individuals with either a suspicion for or a clinical diagnosis of neurofibromatosis type 1 (NF1) (Cal&igrave;, 2017; Ben-Shachar, 2013; Muram-Zborovski, 2010; Shen, 1993; Upadhyaya, 2007). This variant has been reported as a presumed de novo alteration in an individual with features of NF1 but no observable cutaneous neurofibromas or external plexiform neurofibromas (Quint&aacute;ns, 2011). This variant has also been shown to segregate with disease in multiple large families (Stevenson, 2006; Upadhyaya, 2007). Of note, multiple studies suggest this variant is associated with an attenuated form of NF1, specifically that individuals with this mutation are unlikely to develop neurofibromas (Koczkowska, 2019; Muram-Zborovski, 2010; Stevenson, 2006; Upadhyaya, 2007). This amino acid position is highly conserved in available vertebrate species. This variant is predicted to be deleterious by in silico analysis (Choi, 2012). Based on the available evidence, this alteration is classified as pathogenic.

Myriad Genetics, Inc.
Classification: Pathogenic for Neurofibromatosis, type 1. Last evaluated: 2026-02-11. Review status: criteria provided, single submitter. Criteria: Myriad Autosomal Dominant, Autosomal Recessive and X-Linked Classification Criteria (2023). Collection method: clinical testing. Allele origin: unknown.
Comment: This variant is considered pathogenic. This variant has been reported in multiple individuals with clinical features of gene-specific disease [PMID: 17160901, 30190611, 16380919, 16542390, 21532985, 26962827].

Labcorp Genetics (formerly Invitae), Labcorp
Classification: Pathogenic for Neurofibromatosis, type 1. Last evaluated: 2025-12-20. Review status: criteria provided, single submitter. Criteria: Invitae Variant Classification Sherloc (09022015). Collection method: clinical testing. Allele origin: germline.
Comment: This variant, c.2970_2972del, results in the deletion of 1 amino acid(s) of the NF1 protein (p.Met992del), but otherwise preserves the integrity of the reading frame. This variant is present in population databases (rs267606606, gnomAD no frequency). This variant has been observed in individual(s) with clinical features of NF1-related conditions (PMID: 7904209, 12807981, 17160901, 20602485, 21532985, 23047742). In at least one individual the variant was observed to be de novo. It has also been observed to segregate with disease in related individuals. Individuals with this variant have been reported to present with a mild NF1 phenotype lacking plexiform, cutaneous, or subcutaneous neurofibromas (PMID: 30190611). Invitae Evidence Modeling of clinical and family history, age, sex, and reported ancestry of multiple individuals with this NF1 variant has been performed. This variant is expected to be pathogenic with a positive predictive value of at least 99%. This is a validated machine learning model that incorporates the clinical features of 1,785,918 individuals referred to our laboratory for NF1 testing. ClinVar contains an entry for this variant (Variation ID: 363). Experimental studies and prediction algorithms are not available or were not evaluated, and the functional significance of this variant is currently unknown. For these reasons, this variant has been classified as Pathogenic.

Dasa
Classification: Pathogenic for neurofibromatosis type 1. Last evaluated: 2025-09-24. Review status: criteria provided, single submitter. Criteria: DASA Assertion Criteria. Collection method: clinical testing. Allele origin: germline.
Comment: NM_001042492.3(NF1):c.2970_2972del (p.Met992del) is an in-frame deletion predicted to remove methionine at protein position 992 without shifting the reading frame. This variant has been recurrently observed in individuals with NF1-related disorders (PMID: 34897289; PMID: 30190611). This variant has been reported as a de novo occurrence in an affected individual (PMID: 30190611). Segregation data support an association with disease in the reported family/families (PMID: 34897289; PMID: 30190611). Also, this variant is rare in population databases. Based on the currently available evidence, this variant is classified as pathogenic.

New York Genome Center
Classification: Pathogenic for Neurofibromatosis, type 1. Last evaluated: 2025-02-28. Review status: criteria provided, single submitter. Criteria: NYGC Assertion Criteria 2020. Collection method: clinical testing. Allele origin: de novo. Observed: 1 variant allele, 1 heterozygote.
Comment: The c.2970_2972del variant in NF1 has previously been reported and segregated in multiple affected individuals with NF1 related disorders [PMID:12807981,17160901, 21532985, 23047742, 30190611, 20301288]. The c.2970_2972del variant has been deposited in ClinVar [ClinVar ID:363] by multiple submitters as Pathogenic/Likely Pathogenic with affected status provided. The c.2970_2972del variant is observed in 3 alleles (~0.0005% minor allele frequency with 0 homozygote) on gnomAD v4.1.0 (non-UKB) and 1 allele (~0.0002% minor allele frequency with 0 homozygote) on All of Us, suggesting it is not a common benign variant in the populations represented in those databases. The c.2970_2972del variant is located in exon 22 of 57 of NF1 and is predicted to result in inframe deletion of one amino acid (p.(Met992del) within a non-specific non-repeat region of the encoded protein (UniProt ID: P21359). Missense variants affecting the p.Met992 residue (c.2975T>G (p.Met992Arg)) and (c.2975T>A (p.Met992Lys)) have been reported in individuals with NF1 related disorders [PMID: 25362541, 24789688 ], respectively. The c.2970_2972del (p.Met992del) is associated with typical pigmentary features of NF1 but no cutaneous, subcutaneous, or surface plexiform neurofibromas [PMID: 34230207]. One quarter of individuals with this variant lack the clinical features needed to meet NF1 diagnostic criteria, but brain tumors outside of the optic pathways, cognitive or learning disabilities, and Noonan syndrome features occur at frequencies similar to those seen in other individuals with NF1 [PMID:20301288]. Based on available evidence, this heterozygous apparently de novo c.2970_2972del (p.Met992del) variant identified in the NF1 is classified as Pathogenic.

Division of Genetic & Genomic Pathology, Hong Kong Children's Hospital
Classification: Pathogenic for Neurofibromatosis, type 1. Last evaluated: 2025-02-17. Review status: criteria provided, single submitter. Criteria: ACMG Guidelines, 2015. Collection method: clinical testing. Allele origin: germline. Affected: yes.
Comment: NF1 c.2970_2972del p.(Met992del) is a single-amino-acid deletion variant in exon 22 of the gene (out of 57 exons). It is a recurrent pathogenic variant with established genotype-phenotype correlation (ClinVar Accession VCV000000363.113, PMID: 30190611). Individuals with NF1 c.2970_2972del p.(Met992del) are reported to have mild NF1 phenotype lacking clinically suspected plexiform, cutaneous, or subcutaneous neurofibromas (PMID: 30190611).

NM_001042492.3(NF1):c.2970_2972del (p.Met992del)

Gene: NF1 (neurofibromin 1; plus strand). Cytogenetic location: 17q11.2.
Variant type: Deletion.
Coding change: c.2970_2972del on transcript NM_001042492.3 (MANE Select); coding-DNA positions 2970 to 2972, 3 bases deleted (AAT; older notation c.2970_2972delAAT).
Protein change: p.Met992del; deletes methionine 992.
Molecular consequence: inframe deletion. On other transcripts: inframe indel (1).
Genome position (GRCh38, 1-based): chr17:31,229,954-31,229,956, AAT deleted. VCF-style (leftmost placement, unchanged base first): chr17-31229953-CAAT-C. GRCh37 (hg19) VCF-style: chr17-29556971-CAAT-C.
Other names: c.2970_2972delAAT, p.Met992del (NM_000267.4); c.2970_2972delAAT (NM_000267.3); short protein forms M992del.
Identifiers: ClinVar variation 363 (VCV000000363.138), dbSNP rs267606606, ClinGen allele CA114186.
Genomic context (GRCh38, chr17:31,229,953, plus strand): 5'-ACTTGCTAGATAATCATACTGAAGGCAGCTCTGAACATCTAGGGCAAGCTAGCATTGAAA[CAAT>C]GATGTTAAATCTGGTCAGGTAAGCATTCTACTGAAATGTAGCAGAAACATTTTAAGAGAT-3'